The following is an entry in ClinVar:

NM_024580.6(EFL1):c.2358_2359inv (p.Glu787Lys)

Gene: EFL1 (elongation factor like GTPase 1; minus strand). Cytogenetic location: 15q25.2.
Variant type: Inversion.
Coding change: c.2358_2359inv on transcript NM_024580.6 (MANE Select).
Protein change: p.Glu787Lys; replaces glutamic acid 787 with lysine.
Molecular consequence: missense variant. On other transcripts: non-coding transcript variant (1).
Genome position: GRCh38 VCF-style: chr15-82152095-CA-TG. GRCh37 (hg19) VCF-style: chr15-82444436-CA-TG.
Other names: c.2205_2206inv, p.Glu736Lys (NM_001040610.3); c.1569_1570inv, p.Glu524Lys (NM_001322844.2); c.2358_2359inv, p.Glu787Lys (NM_001322845.2); short protein forms E736K, E524K, E787K.
Identifiers: ClinVar variation 1359121 (VCV001359121.4), ClinGen allele CA2573151183.

ClinVar aggregate classification (germline): Uncertain significance (1 of 4 stars; one submission).

Submission:

Labcorp Genetics (formerly Invitae), Labcorp
Classification: Uncertain significance. Last evaluated: 2024-10-26. Review status: criteria provided, single submitter. Criteria: Invitae Variant Classification Sherloc (09022015). Collection method: clinical testing. Allele origin: germline.
Comment: This sequence change replaces glutamic acid, which is acidic and polar, with lysine, which is basic and polar, at codon 787 of the EFL1 protein (p.Glu787Lys). Information on the frequency of this variant in the gnomAD database is not available, as this variant may be reported differently in the database. This variant has not been reported in the literature in individuals affected with EFL1-related conditions. ClinVar contains an entry for this variant (Variation ID: 1359121). Experimental studies and prediction algorithms are not available or were not evaluated, and the functional significance of this variant is currently unknown. In summary, the available evidence is currently insufficient to determine the role of this variant in disease. Therefore, it has been classified as a Variant of Uncertain Significance.